The following is an entry in ClinVar:

ClinVar aggregate classification (germline): Uncertain significance. Review status: criteria provided, multiple submitters, no conflicts (2 of 4 stars). 2 submissions from 2 submitters: Uncertain significance (2). Last evaluated 2025-08-21.

Allele frequency attached by ClinVar (database versions not stated): gnomAD exomes below 0.00001; TOPMed below 0.00001; gnomAD 0.00001; ExAC 0.00002.
gnomAD v4.1: 7 of 1,614,138 alleles (0.00043%); highest among the groups gnomAD compares: Admixed American, 0.0067%; no homozygotes.

Submissions (2):

Ambry Genetics
Classification: Uncertain significance. Last evaluated: 2025-08-21. Review status: criteria provided, single submitter. Criteria: Ambry Variant Classification Scheme 2023. Collection method: clinical testing. Allele origin: germline.

Labcorp Genetics (formerly Invitae), Labcorp
Classification: Uncertain significance. Last evaluated: 2023-10-13. Review status: criteria provided, single submitter. Criteria: Invitae Variant Classification Sherloc (09022015). Collection method: clinical testing. Allele origin: germline.
Comment: This sequence change replaces leucine, which is neutral and non-polar, with proline, which is neutral and non-polar, at codon 458 of the ANKZF1 protein (p.Leu458Pro). This variant is present in population databases (rs753737968, gnomAD 0.01%). This variant has not been reported in the literature in individuals affected with ANKZF1-related conditions. ClinVar contains an entry for this variant (Variation ID: 1947546). Algorithms developed to predict the effect of missense changes on protein structure and function output the following: SIFT: "Not Available"; PolyPhen-2: "Benign"; Align-GVGD: "Not Available". The proline amino acid residue is found in multiple mammalian species, which suggests that this missense change does not adversely affect protein function. In summary, the available evidence is currently insufficient to determine the role of this variant in disease. Therefore, it has been classified as a Variant of Uncertain Significance.

NM_018089.3(ANKZF1):c.1373T>C (p.Leu458Pro)

Gene: ANKZF1 (ankyrin repeat and zinc finger peptidyl tRNA hydrolase 1; plus strand). Cytogenetic location: 2q35.
Variant type: single nucleotide variant.
Coding change: c.1373T>C on transcript NM_018089.3 (MANE Select); coding-DNA position 1373, T replaced by C.
Protein change: p.Leu458Pro; replaces leucine 458 with proline.
Molecular consequence: missense variant.
Genome position (GRCh38, 1-based): chr2:219,234,994, T>C. VCF-style: chr2-219234994-T-C. GRCh37 (hg19) VCF-style: chr2-220099716-T-C.
Other names: c.1373T>C (NM_018089.2); c.1373T>C, p.Leu458Pro (NM_001042410.2); c.743T>C, p.Leu248Pro (NM_001282792.2); short protein forms L248P, L458P.
Identifiers: ClinVar variation 1947546 (VCV001947546.6), dbSNP rs753737968, ClinGen allele CA2121051.
Genomic context (GRCh38, chr2:219,234,994, plus strand): 5'-GGAGAAAAAGGAATAAGAAGGAGAAAAGCCGAGACCAGGAGGCTGGGGCACATCGGACTC[T>C]TCTCCAGCAAACTCAAGAAGAGGAGCCTTCCACACAGTCATCCCAGGCAGTTGCTGCCCC-3'
Protein context (NP_060559.2, residues 448-468): RDQEAGAHRT[Leu458Pro]LQQTQEEEPS